The following is an entry in ClinVar:

ClinVar aggregate classification (germline): Uncertain significance. Review status: criteria provided, multiple submitters, no conflicts (2 of 4 stars). 3 submissions from 3 submitters: Uncertain significance (3). Last evaluated 2025-09-15.

Conditions:
Juvenile polyposis syndrome (JPS). Identifiers: Orphanet 2929, MedGen C0345893, MONDO:0017380, OMIM 174900.
Hereditary cancer-predisposing syndrome. Also called: Neoplastic Syndromes, Hereditary; Hereditary neoplastic syndrome; Hereditary Cancer Syndrome; Tumor predisposition. Identifiers: Orphanet 140162, MedGen C0027672, MeSH D009386, MONDO:0015356.
Familial thoracic aortic aneurysm and aortic dissection (TAAD). Also called: Thoracic aortic aneurysms and dissections. Identifiers: Orphanet 91387, MedGen C4707243, MONDO:0019625.

gnomAD v4.1: 1 of 1,614,136 alleles (0.000062%); highest among the groups gnomAD compares: Non-Finnish European, 0.000085%; no homozygotes.

Submissions (3):

Ambry Genetics
Classification: Uncertain significance for Hereditary cancer-predisposing syndrome; Familial thoracic aortic aneurysm and aortic dissection. Last evaluated: 2025-09-15. Review status: criteria provided, single submitter. Criteria: Ambry Variant Classification Scheme 2023. Collection method: clinical testing. Allele origin: germline.
Comment: The p.T192S variant (also known as c.574A>T), located in coding exon 4 of the SMAD4 gene, results from an A to T substitution at nucleotide position 574. The threonine at codon 192 is replaced by serine, an amino acid with similar properties. This amino acid position is not well conserved in available vertebrate species, and serine is the reference amino acid in other vertebrate species. In addition, this alteration is predicted to be tolerated by in silico analysis. Based on the available evidence, the clinical significance of this variant remains unclear.

Color Diagnostics, LLC DBA Color Health
Classification: Uncertain significance for Hereditary cancer-predisposing syndrome. Last evaluated: 2025-07-30. Review status: criteria provided, single submitter. Criteria: ACMG Guidelines, 2015. Collection method: clinical testing. Allele origin: germline.
Comment: This missense variant replaces threonine with serine at codon 192 of the SMAD4 protein. Computational prediction suggests that this variant may not impact protein structure and function. To our knowledge, functional studies have not been reported for this variant. This variant has not been reported in individuals affected with SMAD4-related disorders in the literature. This variant has not been identified in the general population by the Genome Aggregation Database (gnomAD). The available evidence is insufficient to determine the role of this variant in disease conclusively. Therefore, this variant is classified as a Variant of Uncertain Significance.

Labcorp Genetics (formerly Invitae), Labcorp
Classification: Uncertain significance for Juvenile polyposis syndrome. Last evaluated: 2024-04-29. Review status: criteria provided, single submitter. Criteria: Invitae Variant Classification Sherloc (09022015). Collection method: clinical testing. Allele origin: germline.
Comment: This sequence change replaces threonine, which is neutral and polar, with serine, which is neutral and polar, at codon 192 of the SMAD4 protein (p.Thr192Ser). This variant is not present in population databases (gnomAD no frequency). This variant has not been reported in the literature in individuals affected with SMAD4-related conditions. ClinVar contains an entry for this variant (Variation ID: 944431). Algorithms developed to predict the effect of missense changes on protein structure and function output the following: SIFT: "Not Available"; PolyPhen-2: "Benign"; Align-GVGD: "Not Available". The serine amino acid residue is found in multiple mammalian species, which suggests that this missense change does not adversely affect protein function. In summary, the available evidence is currently insufficient to determine the role of this variant in disease. Therefore, it has been classified as a Variant of Uncertain Significance.

NM_005359.6(SMAD4):c.574A>T (p.Thr192Ser)

Gene: SMAD4 (SMAD family member 4; plus strand). Cytogenetic location: 18q21.2.
Variant type: single nucleotide variant.
Coding change: c.574A>T on transcript NM_005359.6 (MANE Select); coding-DNA position 574, A replaced by T.
Protein change: p.Thr192Ser; replaces threonine 192 with serine.
Molecular consequence: missense variant.
Genome position (GRCh38, 1-based): chr18:51,054,900, A>T. VCF-style: chr18-51054900-A-T. GRCh37 (hg19) VCF-style: chr18-48581270-A-T.
Other names: short protein forms T192S.
Identifiers: ClinVar variation 944431 (VCV000944431.10), dbSNP rs1599186944, ClinGen allele CA402461019.